The following is an entry in ClinVar:

ClinVar aggregate classification (germline): Uncertain significance (1 of 4 stars; one submission).

Submission:

Women's Health and Genetics/Laboratory Corporation of America, LabCorp
Classification: Uncertain significance. Last evaluated: 2025-07-14. Review status: criteria provided, single submitter. Criteria: LabCorp Variant Classification Summary - May 2015. Collection method: clinical testing. Allele origin: germline.
Comment: Variant summary: The variant involves the duplication of exons 1-9 in the TBX1 gene. A presumed nomenclature of c.(?_-130)_(*466_?)dup has been designated for the purposes of this classification. This duplication includes the entire coding sequence of the gene. As exact breakpoints are unknown, it may extend beyond the annotated region of the gene, to include other flanking genes. The variant was absent in 21692 control chromosomes. The available data on variant occurrences in the general population are insufficient to allow any conclusion about variant significance. To our knowledge, no occurrence of c.(?_-130)_(*466_?)dup in individuals affected with TBX1-Related Disorders and no experimental evidence demonstrating its impact on protein function have been reported. ClinVar contains an entry for this variant (Variation ID: 1042800). Based on the evidence outlined above, the variant was classified as uncertain significance.

NC_000022.10:g.(?_19744225)_(19754856_?)dup

Gene: TBX1 (T-box transcription factor 1; plus strand). Cytogenetic location: 22q11.21.
Variant type: Duplication.
Identifiers: ClinVar variation 4525932 (VCV004525932.1).